The following is an entry in ClinVar:

ClinVar aggregate classification (germline): Uncertain significance (0 of 4 stars; one submission).

Conditions:
PCSK1-related disorder. Also called: PCSK1-related condition.

gnomAD v4.1: 5 of 1,614,120 alleles (0.00031%); highest among the groups gnomAD compares: Non-Finnish European, 0.00042%; no homozygotes.

Submission:

PreventionGenetics, part of Exact Sciences
Classification: Uncertain significance for PCSK1-related condition. Last evaluated: 2024-07-26. Review status: no assertion criteria provided. Collection method: clinical testing. Allele origin: germline.
Comment: The PCSK1 c.836G>C variant is predicted to result in the amino acid substitution p.Gly279Ala. This variant was observed in a cohort of individuals with obesity, and in vitro functional studies showed inconclusive evidence of loss of function (Supplemental Data Set, Shah et al. 2023. PubMed ID: 36864747). This variant has not been reported in a large population database, indicating this variant is rare. At this time, the clinical significance of this variant is uncertain due to the absence of conclusive functional and genetic evidence.

NM_000439.5(PCSK1):c.836G>C (p.Gly279Ala)

Genes: CAST (calpastatin; plus strand), PCSK1 (proprotein convertase subtilisin/kexin type 1; minus strand), LOC101929710 (uncharacterized LOC101929710; plus strand). Cytogenetic location: 5q15.
Variant type: single nucleotide variant.
Coding change: c.836G>C on transcript NM_000439.5 (MANE Select); coding-DNA position 836, G replaced by C.
Protein change: p.Gly279Ala; replaces glycine 279 with alanine.
Molecular consequence: missense variant. On other transcripts: intron variant (11).
Genome position (GRCh38, 1-based): chr5:96,412,364, C>G on the plus strand (G>C on the coding strand, the complement: PCSK1 is on the minus strand). VCF-style: chr5-96412364-C-G. GRCh37 (hg19) VCF-style: chr5-95748068-C-G.
Other names: c.695G>C, p.Gly232Ala (NM_001177875.2); c.-175+32712C>G (NM_001423254.1, NM_001423259.1, NM_001423255.1 and 6 more transcripts); c.-103+32712C>G (NM_001423253.1); c.-40+32712C>G (NM_001423258.1); short protein forms G232A, G279A.
Identifiers: ClinVar variation 3358016 (VCV003358016.1).
Genomic context (GRCh38, chr5:96,412,364, plus strand): 5'-GTAAAGCATCTTACCTGTTTGACACCATATTCAAAAGCCTTCTGGGCTAGCCGGCCAGGC[C>G]CCTCCACAGTTTTCCCATCATCATTAGGGCCCCAGCTTGCACTGTAAATATCCACGTGTC-3'
Protein context (NP_000430.3, residues 269-289): GPNDDGKTVE[Gly279Ala]PGRLAQKAFE